The following is an entry in ClinVar:

NM_145038.5(DRC1):c.1418C>A (p.Ala473Asp)

Gene: DRC1 (dynein regulatory complex subunit 1; plus strand). Cytogenetic location: 2p23.3.
Variant type: single nucleotide variant.
Coding change: c.1418C>A on transcript NM_145038.5 (MANE Select); coding-DNA position 1418, C replaced by A.
Protein change: p.Ala473Asp; replaces alanine 473 with aspartic acid.
Molecular consequence: missense variant.
Genome position (GRCh38, 1-based): chr2:26,448,712, C>A. VCF-style: chr2-26448712-C-A. GRCh37 (hg19) VCF-style: chr2-26671580-C-A.
Other names: short protein forms A473D.
Identifiers: ClinVar variation 957492 (VCV000957492.10), dbSNP rs199574440, ClinGen allele CA1562254.

ClinVar aggregate classification (germline): Uncertain significance (1 of 4 stars; one submission).

Conditions:
Primary ciliary dyskinesia. Also called: Ciliary dyskinesia. Identifiers: Orphanet 244, MedGen C0008780, MONDO:0016575, HP:0012265.

Submission:

Labcorp Genetics (formerly Invitae), Labcorp
Classification: Uncertain significance for Primary ciliary dyskinesia. Last evaluated: 2019-10-14. Review status: criteria provided, single submitter. Criteria: Invitae Variant Classification Sherloc (09022015). Collection method: clinical testing. Allele origin: germline.
Comment: This sequence change replaces alanine with aspartic acid at codon 473 of the DRC1 protein (p.Ala473Asp). The alanine residue is moderately conserved and there is a moderate physicochemical difference between alanine and aspartic acid. This variant is present in population databases (rs199574440, ExAC 0.002%). This variant has not been reported in the literature in individuals with DRC1-related conditions. Algorithms developed to predict the effect of missense changes on protein structure and function output the following: SIFT: "Tolerated"; PolyPhen-2: "Benign"; Align-GVGD: "Class C0". The aspartic acid amino acid residue is found in multiple mammalian species, suggesting that this missense change does not adversely affect protein function. These predictions have not been confirmed by published functional studies and their clinical significance is uncertain. In summary, the available evidence is currently insufficient to determine the role of this variant in disease. Therefore, it has been classified as a Variant of Uncertain Significance.